The following is an entry in ClinVar:

NM_005676.5(RBM10):c.1785+5T>C

Gene: RBM10 (RNA binding motif protein 10; plus strand). Cytogenetic location: Xp11.3.
Variant type: single nucleotide variant.
Coding change: c.1785+5T>C on transcript NM_005676.5 (MANE Select); 5 bases into the intron after coding-DNA position 1785, T replaced by C.
Molecular consequence: intron variant.
Genome position (GRCh38, 1-based): chrX:47,182,047, T>C. VCF-style: chrX-47182047-T-C. GRCh37 (hg19) VCF-style: chrX-47041446-T-C.
Other names: c.1980+5T>C (NM_001204468.2); c.1782+5T>C (NM_001204467.2); c.1554+5T>C (NM_001204466.2); c.1551+5T>C (NM_152856.3).
Identifiers: ClinVar variation 2763707 (VCV002763707.3), dbSNP rs2147196348, ClinGen allele CA2693562274.

ClinVar aggregate classification (germline): Uncertain significance (1 of 4 stars; one submission).

Allele frequency attached by ClinVar (database versions not stated): gnomAD exomes 0.00001.
gnomAD v4.1: 4 of 1,211,129 alleles (0.00033%); highest among the groups gnomAD compares: Non-Finnish European, 0.00045%; no homozygotes.

Submission:

Labcorp Genetics (formerly Invitae), Labcorp
Classification: Uncertain significance. Last evaluated: 2023-09-27. Review status: criteria provided, single submitter. Criteria: Invitae Variant Classification Sherloc (09022015). Collection method: clinical testing. Allele origin: germline.
Comment: This sequence change falls in intron 16 of the RBM10 gene. It does not directly change the encoded amino acid sequence of the RBM10 protein. It affects a nucleotide within the consensus splice site. This variant is not present in population databases (gnomAD no frequency). This variant has not been reported in the literature in individuals affected with RBM10-related conditions. Variants that disrupt the consensus splice site are a relatively common cause of aberrant splicing (PMID: 17576681, 9536098). Algorithms developed to predict the effect of sequence changes on RNA splicing suggest that this variant is not likely to affect RNA splicing. In summary, the available evidence is currently insufficient to determine the role of this variant in disease. Therefore, it has been classified as a Variant of Uncertain Significance.

Literature cited by the submitters: PubMed 17576681; PubMed 9536098.